The following is an entry in ClinVar:

NM_000051.4(ATM):c.8584+5T>A

Genes: ATM (ATM serine/threonine kinase; plus strand), C11orf65 (chromosome 11 open reading frame 65; minus strand). Cytogenetic location: 11q22.3.
Variant type: single nucleotide variant.
Coding change: c.8584+5T>A on transcript NM_000051.4 (MANE Select); 5 bases into the intron after coding-DNA position 8584, T replaced by A.
Molecular consequence: intron variant.
Genome position (GRCh38, 1-based): chr11:108,345,913, T>A. VCF-style: chr11-108345913-T-A. GRCh37 (hg19) VCF-style: chr11-108216640-T-A.
Other names: c.8584+5T>A (NM_001351834.2); c.641-36842A>T (NM_001330368.2); c.695-10621A>T (NM_001351110.2).
Identifiers: ClinVar variation 2850431 (VCV002850431.4), dbSNP rs577897927, ClinGen allele CA2739266032.

ClinVar aggregate classification (germline): Uncertain significance. Review status: criteria provided, multiple submitters, no conflicts (2 of 4 stars). 2 submissions from 2 submitters: Uncertain significance (2). Last evaluated 2026-07-01.

Conditions:
Hereditary cancer-predisposing syndrome. Also called: Tumor predisposition; Neoplastic Syndromes, Hereditary; Hereditary Cancer Syndrome; Hereditary neoplastic syndrome. Identifiers: Orphanet 140162, MedGen C0027672, MeSH D009386, MONDO:0015356.
Ataxia-telangiectasia syndrome (AT). Also called: LOUIS-BAR SYNDROME; Cerebello-oculocutaneous telangiectasia; Immunodeficiency with ataxia telangiectasia; Ataxia telangiectasia (A-T); Ataxia-telangiectasia, complementation group D; AT, COMPLEMENTATION GROUP C. Identifiers: Orphanet 100, MedGen C0004135, MONDO:0008840, OMIM 208900.

Submissions (2):

Ambry Genetics
Classification: Uncertain significance for Hereditary cancer-predisposing syndrome. Last evaluated: 2026-07-01. Review status: criteria provided, single submitter. Criteria: Ambry Variant Classification Scheme 2023. Collection method: clinical testing. Allele origin: germline.
Comment: The c.8584+5T>A intronic variant results from a T to A substitution 5 nucleotides after coding exon 57 in the ATM gene. In an assay testing ATM function, this variant showed a functionally indeterminant result (Lee KS et al. Cell, 2025 Sep;188:5081-5099.e27). This nucleotide position is well conserved in available vertebrate species. In silico splice site analysis predicts that this alteration will not have any significant effect on splicing. Based on the available evidence, the clinical significance of this variant remains unclear.

Labcorp Genetics (formerly Invitae), Labcorp
Classification: Uncertain significance for Ataxia-telangiectasia syndrome. Last evaluated: 2025-12-17. Review status: criteria provided, single submitter. Criteria: Invitae Variant Classification Sherloc (09022015). Collection method: clinical testing. Allele origin: germline.
Comment: This sequence change falls in intron 58 of the ATM gene. It does not directly change the encoded amino acid sequence of the ATM protein. It affects a nucleotide within the consensus splice site. This variant is not present in population databases (gnomAD no frequency). This variant has not been reported in the literature in individuals affected with ATM-related conditions. ClinVar contains an entry for this variant (Variation ID: 2850431). Variants that disrupt the consensus splice site are a relatively common cause of aberrant splicing (PMID: 17576681, 9536098). Algorithms developed to predict the effect of sequence changes on RNA splicing suggest that this variant is not likely to affect RNA splicing. In summary, the available evidence is currently insufficient to determine the role of this variant in disease. Therefore, it has been classified as a Variant of Uncertain Significance.

Literature cited by the submitters: PubMed 40580951 (cited by Ambry Genetics); PubMed 17576681 (cited by Labcorp Genetics (formerly Invitae), Labcorp); PubMed 9536098 (cited by Labcorp Genetics (formerly Invitae), Labcorp).